The following is an entry in ClinVar:

ClinVar aggregate classification (germline): Benign/Likely benign. Review status: criteria provided, multiple submitters, no conflicts (2 of 4 stars). 3 submissions from 3 submitters: Benign (1); Likely benign (2). Last evaluated 2025-11-18.

Conditions:
Papillary renal cell carcinoma type 1 (RCCP1). Also called: Renal adenocarcinoma; Renal cell carcinoma 1; Renal cell carcinoma, somatic; RENAL CELL CARCINOMA, PAPILLARY, 1, SOMATIC. Identifiers: Orphanet 47044, MedGen C1336839, OMIM 605074, HP:0011797.
Renal cell carcinoma. Identifiers: Orphanet 217071, MedGen C0007134, MeSH D002292, MONDO:0005086, HP:0005584.
Hereditary cancer-predisposing syndrome. Also called: Tumor predisposition; Hereditary neoplastic syndrome; Hereditary Cancer Syndrome; Neoplastic Syndromes, Hereditary. Identifiers: Orphanet 140162, MedGen C0027672, MeSH D009386, MONDO:0015356.

Allele frequency attached by ClinVar (database versions not stated): TOPMed below 0.00001.
gnomAD v4.1: 2 of 1,594,148 alleles (0.00013%); highest among the groups gnomAD compares: Admixed American, 0.0018%; no homozygotes.

Submissions (3):

Labcorp Genetics (formerly Invitae), Labcorp
Classification: Likely benign for Renal cell carcinoma. Last evaluated: 2025-11-18. Review status: criteria provided, single submitter. Criteria: Invitae Variant Classification Sherloc (09022015). Collection method: clinical testing. Allele origin: germline.

Myriad Genetics, Inc.
Classification: Benign for Papillary renal cell carcinoma type 1. Last evaluated: 2024-11-07. Review status: criteria provided, single submitter. Criteria: Myriad Autosomal Dominant, Autosomal Recessive and X-Linked Classification Criteria (2023). Collection method: clinical testing. Allele origin: unknown.
Comment: This variant is considered benign. This variant is a silent/synonymous amino acid change and it is not expected to impact splicing.

Ambry Genetics
Classification: Likely benign for Hereditary cancer-predisposing syndrome. Last evaluated: 2021-03-15. Review status: criteria provided, single submitter. Criteria: Ambry Variant Classification Scheme 2023. Collection method: clinical testing. Allele origin: germline.

NM_000245.4(MET):c.1125C>T (p.Asn375=)

Gene: MET (MET proto-oncogene, receptor tyrosine kinase; plus strand). Cytogenetic location: 7q31.2.
Variant type: single nucleotide variant.
Coding change: c.1125C>T on transcript NM_000245.4 (MANE Select); coding-DNA position 1125, C replaced by T.
Protein change: p.Asn375=; no amino-acid change (asparagine 375 retained).
Molecular consequence: synonymous variant. On other transcripts: intron variant (1).
Genome position (GRCh38, 1-based): chr7:116,700,209, C>T. VCF-style: chr7-116700209-C-T. GRCh37 (hg19) VCF-style: chr7-116340263-C-T.
Other names: c.1125C>T, p.Asn375= (NM_001127500.3, NM_001324401.3); c.-91+27632C>T (NM_001324402.2).
Identifiers: ClinVar variation 1099633 (VCV001099633.12), dbSNP rs776693512, ClinGen allele CA4448076.